The following is an entry in ClinVar:

NM_001458.5(FLNC):c.6958G>T (p.Gly2320Ter)

Genes: FLNC (filamin C; plus strand), FLNC-AS1 (FLNC antisense RNA 1; minus strand). Cytogenetic location: 7q32.1.
Variant type: single nucleotide variant.
Coding change: c.6958G>T on transcript NM_001458.5 (MANE Select); coding-DNA position 6958, G replaced by T.
Protein change: p.Gly2320Ter; replaces glycine 2320 with a stop codon.
Molecular consequence: nonsense.
Genome position (GRCh38, 1-based): chr7:128,854,643, G>T. VCF-style: chr7-128854643-G-T. GRCh37 (hg19) VCF-style: chr7-128494697-G-T.
Other names: c.6859G>T, p.Gly2287Ter (NM_001127487.2); short protein forms G2287*, G2320*.
Identifiers: ClinVar variation 3757391 (VCV003757391.2).

ClinVar aggregate classification (germline): Pathogenic (1 of 4 stars; one submission).

Conditions:
Distal myopathy with posterior leg and anterior hand involvement. Also called: WILLIAMS DISTAL MYOPATHY. Identifiers: Orphanet 63273, MedGen C3279722, MONDO:0013550, OMIM 614065.
Hypertrophic cardiomyopathy 26. Also called: Cardiomyopathy, familial hypertrophic, 26. Identifiers: Orphanet 75249, MedGen C4310749, MONDO:0014883, OMIM 617047.
Myofibrillar myopathy 5. Also called: Filaminopathy (type); FILAMINOPATHY, AUTOSOMAL DOMINANT. Identifiers: Orphanet 171445, MedGen C1836050, MONDO:0012289, OMIM 609524.

Submission:

Labcorp Genetics (formerly Invitae), Labcorp
Classification: Pathogenic for Distal myopathy with posterior leg and anterior hand involvement; Myofibrillar myopathy 5; Hypertrophic cardiomyopathy 26. Last evaluated: 2025-06-01. Review status: criteria provided, single submitter. Criteria: Invitae Variant Classification Sherloc (09022015). Collection method: clinical testing. Allele origin: germline.
Comment: This sequence change creates a premature translational stop signal (p.Gly2320*) in the FLNC gene. It is expected to result in an absent or disrupted protein product. Loss-of-function variants in FLNC are known to be pathogenic (PMID: 27908349). This variant is not present in population databases (gnomAD no frequency). This variant has not been reported in the literature in individuals affected with FLNC-related conditions. ClinVar contains an entry for this variant (Variation ID: 3757391). For these reasons, this variant has been classified as Pathogenic.

Literature cited by the submitters: PubMed 27908349.